The following is an entry in ClinVar:

ClinVar aggregate classification (germline): Uncertain significance. Review status: criteria provided, multiple submitters, no conflicts (2 of 4 stars). 6 submissions from 6 submitters: Uncertain significance (4). 2 of the submissions do not count toward it. Last evaluated 2025-09-23.

Conditions:
Autosomal recessive early-onset Parkinson disease 6 (PARK6). Also called: PINK1-Related Parkinson Disease; PARKINSON DISEASE 6, MODIFIER OF; PARKINSON DISEASE 6, EARLY-ONSET; PINK1 Type of Young-Onset Parkinson Disease. Identifiers: Orphanet 2828, MedGen C1853833, MONDO:0011613, OMIM 605909.

Allele frequency attached by ClinVar (database versions not stated): TOPMed 0.00015; ExAC 0.00017; gnomAD 0.00017; gnomAD exomes 0.00019 and 0.00029; ESP Exome Variant Server 0.00023.
gnomAD v4.1: 444 of 1,614,040 alleles (0.028%); highest among the groups gnomAD compares: Non-Finnish European, 0.036%; no homozygotes.

Submissions (6):

GeneDx
Classification: Uncertain significance. Last evaluated: 2025-09-23. Review status: criteria provided, single submitter. Criteria: GeneDx Variant Classification Process June 2021. Collection method: clinical testing. Allele origin: germline. Affected: yes.
Comment: Reported in patients with Parkinson disease in published literature; however, additional clinical information and segregation information were not provided (PMID: 18330912, 23303188); Reported previously as a variant of uncertain significance in two patients with a diagnosis of ALS and a family history of dementia; however, one patient also harbored a variant in a different gene and no segregation information was provided (PMID: 35893043); Reported previously in a patient with a clinical diagnosis of ALS who also was an unaffected carrier of a homoplasmic mitochondrial variant (PMID: 36066624); Published functional studies show conflicting information as one study demonstrates a damaging effect showing that this variant was unable to promote mitochondrial localization of Parkin while another study shows no difference in Parkin translocation to mitochondria (PMID: 23303188, 34893635); In silico analysis suggests that this missense variant does not alter protein structure/function; This variant is associated with the following publications: (PMID: 23857047, 32853481, 22644621, 16009891, 16547921, 34426522, 34893635, 23303188, 18330912, 35893043, 36066624, 37750340)

Labcorp Genetics (formerly Invitae), Labcorp
Classification: Uncertain significance for Autosomal recessive early-onset Parkinson disease 6. Last evaluated: 2024-01-18. Review status: criteria provided, single submitter. Criteria: Invitae Variant Classification Sherloc (09022015). Collection method: clinical testing. Allele origin: germline.
Comment: This sequence change replaces proline, which is neutral and non-polar, with leucine, which is neutral and non-polar, at codon 196 of the PINK1 protein (p.Pro196Leu). This variant is present in population databases (rs138302371, gnomAD 0.03%). This missense change has been observed in individual(s) with Parkinson disease (PMID: 16009891, 23303188). ClinVar contains an entry for this variant (Variation ID: 445908). Advanced modeling of protein sequence and biophysical properties (such as structural, functional, and spatial information, amino acid conservation, physicochemical variation, residue mobility, and thermodynamic stability) performed at Invitae indicates that this missense variant is not expected to disrupt PINK1 protein function with a negative predictive value of 80%. Experimental studies are conflicting or provide insufficient evidence to determine the effect of this variant on PINK1 function (PMID: 23303188). In summary, the available evidence is currently insufficient to determine the role of this variant in disease. Therefore, it has been classified as a Variant of Uncertain Significance.

Fulgent Genetics
Classification: Uncertain significance for Autosomal recessive early-onset Parkinson disease 6. Last evaluated: 2022-02-07. Review status: criteria provided, single submitter. Criteria: ACMG Guidelines, 2015. Collection method: clinical testing. Allele origin: unknown.

Center for Pediatric Genomic Medicine, Children's Mercy Hospital and Clinics
Classification: Uncertain significance. Last evaluated: 2017-02-22. Review status: criteria provided, single submitter. Criteria: ACMG Guidelines, 2015. Collection method: clinical testing. Allele origin: germline.

Clinical Genetics DNA and cytogenetics Diagnostics Lab, Erasmus MC, Erasmus Medical Center
Classification: Uncertain significance. Review status: no assertion criteria provided. Collection method: clinical testing. Allele origin: germline. Affected: yes. Study: VKGL Data-share Consensus. Not counted in ClinVar's aggregate classification.

Diagnostic Laboratory, Department of Genetics, University Medical Center Groningen
Classification: Uncertain significance. Review status: no assertion criteria provided. Collection method: clinical testing. Allele origin: germline. Affected: yes. Study: VKGL Data-share Consensus. Not counted in ClinVar's aggregate classification.

Literature cited by the submitters: PubMed 16009891 (cited by Labcorp Genetics (formerly Invitae), Labcorp); PubMed 23303188 (cited by Labcorp Genetics (formerly Invitae), Labcorp).

NM_032409.3(PINK1):c.587C>T (p.Pro196Leu)

Gene: PINK1 (PTEN induced kinase 1; plus strand). Cytogenetic location: 1p36.12.
Variant type: single nucleotide variant.
Coding change: c.587C>T on transcript NM_032409.3 (MANE Select); coding-DNA position 587, C replaced by T.
Protein change: p.Pro196Leu; replaces proline 196 with leucine.
Molecular consequence: missense variant.
Genome position (GRCh38, 1-based): chr1:20,638,041, C>T. VCF-style: chr1-20638041-C-T. GRCh37 (hg19) VCF-style: chr1-20964534-C-T.
Other names: short protein forms P196L.
Identifiers: ClinVar variation 445908 (VCV000445908.21), dbSNP rs138302371, ClinGen allele CA660461.
Genomic context (GRCh38, chr1:20,638,041, plus strand): 5'-CTACATTGCCCCAGAACCTGGAGGTGACAAAGAGCACCGGGTTGCTTCCAGGGAGAGGCC[C>T]AGGTACCAGTGCACCAGGAGAAGGGCAGGAGCGAGCTCCGGGGGCCCCTGCCTTCCCCTT-3'
Protein context (NP_115785.1, residues 186-206): KSTGLLPGRG[Pro196Leu]GTSAPGEGQE